The following is an entry in ClinVar:

NM_001035.3(RYR2):c.4275+195T>C

Gene: RYR2 (ryanodine receptor 2; plus strand). Cytogenetic location: 1q43.
Variant type: single nucleotide variant.
Coding change: c.4275+195T>C on transcript NM_001035.3 (MANE Select); 195 bases into the intron after coding-DNA position 4275, T replaced by C.
Molecular consequence: intron variant.
Genome position (GRCh38, 1-based): chr1:237,592,048, T>C. VCF-style: chr1-237592048-T-C. GRCh37 (hg19) VCF-style: chr1-237755348-T-C.
Identifiers: ClinVar variation 671201 (VCV000671201.1), dbSNP rs2779431, ClinGen allele CA39804385.

ClinVar aggregate classification (germline): Benign (1 of 4 stars; one submission).

Allele frequency attached by ClinVar (database versions not stated): 1000 Genomes Project 30x 0.95066; 1000 Genomes Project 0.95547; TOPMed 0.95552; gnomAD 0.95838 and 0.96114.
gnomAD v4.1: 146,410 of 152,268 alleles (96%); highest among the groups gnomAD compares: East Asian, 100%; 70,642 homozygotes.

Submission:

GeneDx
Classification: Benign. Last evaluated: 2018-06-15. Review status: criteria provided, single submitter. Criteria: GeneDx Variant Classification (06012015). Collection method: clinical testing. Allele origin: germline. Affected: yes.
Comment: This variant is considered likely benign or benign based on one or more of the following criteria: it is a conservative change, it occurs at a poorly conserved position in the protein, it is predicted to be benign by multiple in silico algorithms, and/or has population frequency not consistent with disease.